The following is an entry in ClinVar:

ClinVar aggregate classification (germline): Uncertain significance (1 of 4 stars; one submission).

Conditions:
Hereditary cancer-predisposing syndrome. Also called: Hereditary Cancer Syndrome; Hereditary neoplastic syndrome; Neoplastic Syndromes, Hereditary; Tumor predisposition. Identifiers: Orphanet 140162, MedGen C0027672, MeSH D009386, MONDO:0015356.

Submission:

Ambry Genetics
Classification: Uncertain significance for Hereditary cancer-predisposing syndrome. Last evaluated: 2025-04-02. Review status: criteria provided, single submitter. Criteria: Ambry Variant Classification Scheme 2023. Collection method: clinical testing. Allele origin: germline.
Comment: The c.349-5G>C intronic variant results from a G to C substitution 5 nucleotides upstream from coding exon 4 in the MUTYH gene. This nucleotide position is well conserved in available vertebrate species. In silico splice site analysis predicts that this alteration will not have any significant effect on splicing. Based on the available evidence, the clinical significance of this variant remains unclear.

NM_001048174.2(MUTYH):c.265-5G>C

Gene: MUTYH (mutY DNA glycosylase; minus strand). Cytogenetic location: 1p34.1.
Variant type: single nucleotide variant.
Coding change: c.265-5G>C on transcript NM_001048174.2 (MANE Select); 5 bases into the intron before coding-DNA position 265, G replaced by C.
Molecular consequence: intron variant.
Genome position (GRCh38, 1-based): chr1:45,333,329, C>G on the plus strand (G>C on the coding strand, the complement: MUTYH is on the minus strand). VCF-style: chr1-45333329-C-G. GRCh37 (hg19) VCF-style: chr1-45799001-C-G.
Other names: c.265-5G>C (NM_001407072.1, NM_001048171.2, NM_001407070.1 and 6 more transcripts); c.-7-5G>C (NM_001350651.2, NM_001350650.2, NM_001407082.1); c.-12-5G>C (NM_001293192.2, NM_001293196.2, NM_001407091.1); c.307-5G>C (NM_001407073.1, NM_001407083.1, NM_001407085.1); c.310-5G>C (NM_001293190.2); c.340-5G>C (NM_001407069.1, NM_012222.3); c.349-5G>C (NM_001128425.2); c.268-5G>C (NM_001407071.1, NM_001407079.1, NM_001048172.2 and 2 more transcripts); and 3 more.
Identifiers: ClinVar variation 3914942 (VCV003914942.1).